The following is an entry in ClinVar:

NM_002900.3(RBP3):c.3377C>T (p.Ala1126Val)

Gene: RBP3 (retinol binding protein 3; plus strand). Cytogenetic location: 10q11.22.
Variant type: single nucleotide variant.
Coding change: c.3377C>T on transcript NM_002900.3 (MANE Select); coding-DNA position 3377, C replaced by T.
Protein change: p.Ala1126Val; replaces alanine 1126 with valine.
Molecular consequence: missense variant.
Genome position (GRCh38, 1-based): chr10:47,355,507, C>T. VCF-style: chr10-47355507-C-T. GRCh37 (hg19) VCF-style: chr10-48383855-G-A.
Other names: short protein forms A1126V.
Identifiers: ClinVar variation 834245 (VCV000834245.7), dbSNP rs1159193211, ClinGen allele CA376677015.

ClinVar aggregate classification (germline): Uncertain significance (1 of 4 stars; one submission).

Allele frequency attached by ClinVar (database versions not stated): gnomAD exomes below 0.00001; gnomAD 0.00001; TOPMed 0.00002.
gnomAD v4.1: 5 of 1,614,092 alleles (0.00031%); highest among the groups gnomAD compares: African/African-American, 0.0013%; no homozygotes.

Submission:

Labcorp Genetics (formerly Invitae), Labcorp
Classification: Uncertain significance. Last evaluated: 2022-08-15. Review status: criteria provided, single submitter. Criteria: Invitae Variant Classification Sherloc (09022015). Collection method: clinical testing. Allele origin: germline.
Comment: This sequence change replaces alanine, which is neutral and non-polar, with valine, which is neutral and non-polar, at codon 1126 of the RBP3 protein (p.Ala1126Val). This variant is not present in population databases (gnomAD no frequency). This variant has not been reported in the literature in individuals affected with RBP3-related conditions. ClinVar contains an entry for this variant (Variation ID: 834245). Algorithms developed to predict the effect of missense changes on protein structure and function are either unavailable or do not agree on the potential impact of this missense change (SIFT: "Tolerated"; PolyPhen-2: "Possibly Damaging"; Align-GVGD: "Class C0"). In summary, the available evidence is currently insufficient to determine the role of this variant in disease. Therefore, it has been classified as a Variant of Uncertain Significance.